The following is an entry in ClinVar:

NM_032119.4(ADGRV1):c.12415A>G (p.Ile4139Val)

Gene: ADGRV1 (adhesion G protein-coupled receptor V1; plus strand). Cytogenetic location: 5q14.3.
Variant type: single nucleotide variant.
Coding change: c.12415A>G on transcript NM_032119.4 (MANE Select); coding-DNA position 12415, A replaced by G.
Protein change: p.Ile4139Val; replaces isoleucine 4139 with valine.
Molecular consequence: missense variant. On other transcripts: non-coding transcript variant (1).
Genome position (GRCh38, 1-based): chr5:90,776,464, A>G. VCF-style: chr5-90776464-A-G. GRCh37 (hg19) VCF-style: chr5-90072281-A-G.
Other names: short protein forms I4139V.
Identifiers: ClinVar variation 3354481 (VCV003354481.1).
Genomic context (GRCh38, chr5:90,776,464, plus strand): 5'-GTGCTTATGTGCACCTGCTACAAAGTGGTCTATATCATCTTGAATTTAGGTAGTGCATCA[A>G]TAATTATTCGGGGTGATAAGCGAGCATCAGGAGAAGTTGGGATAGCTCCGTCATCTAGGC-3'
Protein context (NP_115495.3, residues 4129-4149): EISPVKGSAS[Ile4139Val]IIRGDKRASG

ClinVar aggregate classification (germline): Uncertain significance (0 of 4 stars; one submission).

Conditions:
ADGRV1-related disorder. Also called: ADGRV1-related disorders; ADGRV1-related condition.

gnomAD v4.1: 7 of 1,612,124 alleles (0.00043%); highest among the groups gnomAD compares: East Asian, 0.0045%; no homozygotes.

Submission:

PreventionGenetics, part of Exact Sciences
Classification: Uncertain significance for ADGRV1-related condition. Last evaluated: 2024-07-11. Review status: no assertion criteria provided. Collection method: clinical testing. Allele origin: germline.
Comment: The ADGRV1 c.12415A>G variant is predicted to result in the amino acid substitution p.Ile4139Val. To our knowledge, this variant has not been reported in the literature. This variant is reported in 0.00090% of alleles in individuals of European (Non-Finnish) descent in gnomAD. At this time, the clinical significance of this variant is uncertain due to the absence of conclusive functional and genetic evidence.